The following is an entry in ClinVar:

NC_000010.11:g.(?_102504143)_(102550116_?)del

Genes: SUFU (SUFU negative regulator of hedgehog signaling; plus strand), LOC124416895 (Sharpr-MPRA regulatory region 236; plus strand), LOC130004614 (ATAC-STARR-seq lymphoblastoid silent region 2764; plus strand), LOC130004615 (ATAC-STARR-seq lymphoblastoid active region 3939; plus strand), LOC130004616 (ATAC-STARR-seq lymphoblastoid active region 3940; plus strand). Cytogenetic location: 10q24.32.
Variant type: Deletion.
Identifiers: ClinVar variation 646409 (VCV000646409.9).

ClinVar aggregate classification (germline): Pathogenic (1 of 4 stars; one submission).

Conditions:
Gorlin syndrome. Also called: Basal cell nevus syndrome; Nevoid Basal Cell Carcinoma Syndrome. Identifiers: Orphanet 377, MedGen C0004779, MONDO:0007187.
Medulloblastoma (MDB). Also called: MEDULLOBLASTOMA PREDISPOSITION SYNDROME; Medulloblastoma, somatic. Identifiers: Orphanet 616, MedGen C0025149, MeSH D008527, MONDO:0007959, OMIM 155255, HP:0002885.

Submission:

Labcorp Genetics (formerly Invitae), Labcorp
Classification: Pathogenic for Gorlin syndrome; Medulloblastoma. Last evaluated: 2018-07-20. Review status: criteria provided, single submitter. Criteria: Invitae Variant Classification Sherloc (09022015). Collection method: clinical testing. Allele origin: germline.
Comment: For these reasons, this variant has been classified as Pathogenic. Loss-of-function variants in SUFU are known to be pathogenic (PMID: 22508808, 25403219). This variant has not been reported in the literature in individuals with SUFU-related disease. This variant is a gross deletion of the genomic region encompassing exons 1-3 of the SUFU gene, which includes the initiator codon. The 5' end of this event is unknown as it extends beyond the assayed region for this gene and therefore may encompass additional genes. The 3' boundary is likely confined to intron 3 of the SUFU gene. This is expected to result in an absent or disrupted protein product.

Literature cited by the submitters: PubMed 22508808; PubMed 25403219.